The following is an entry in ClinVar:

ClinVar aggregate classification (germline): Uncertain significance. Review status: criteria provided, multiple submitters, no conflicts (2 of 4 stars). 2 submissions from 2 submitters: Uncertain significance (2). Last evaluated 2024-09-12.

Conditions:
Familial thoracic aortic aneurysm and aortic dissection (TAAD). Also called: Thoracic aortic aneurysms and dissections. Identifiers: Orphanet 91387, MedGen C4707243, MONDO:0019625.

Submissions (2):

Blueprint Genetics
Classification: Uncertain significance. Last evaluated: 2024-09-12. Review status: criteria provided, single submitter. Criteria: ACMG Guidelines, 2015. Collection method: clinical testing. Allele origin: germline.

Labcorp Genetics (formerly Invitae), Labcorp
Classification: Uncertain significance for Familial thoracic aortic aneurysm and aortic dissection. Last evaluated: 2022-09-19. Review status: criteria provided, single submitter. Criteria: Invitae Variant Classification Sherloc (09022015). Collection method: clinical testing. Allele origin: germline.
Comment: This variant is not present in population databases (gnomAD no frequency). In summary, the available evidence is currently insufficient to determine the role of this variant in disease. Therefore, it has been classified as a Variant of Uncertain Significance. Advanced modeling of protein sequence and biophysical properties (such as structural, functional, and spatial information, amino acid conservation, physicochemical variation, residue mobility, and thermodynamic stability) performed at Invitae indicates that this missense variant is not expected to disrupt TGFBR1 protein function. ClinVar contains an entry for this variant (Variation ID: 477558). This variant has not been reported in the literature in individuals affected with TGFBR1-related conditions. This sequence change replaces serine, which is neutral and polar, with phenylalanine, which is neutral and non-polar, at codon 235 of the TGFBR1 protein (p.Ser235Phe).

NM_004612.4(TGFBR1):c.704C>T (p.Ser235Phe)

Gene: TGFBR1 (transforming growth factor beta receptor 1; plus strand). Cytogenetic location: 9q22.33.
Variant type: single nucleotide variant.
Coding change: c.704C>T on transcript NM_004612.4 (MANE Select); coding-DNA position 704, C replaced by T.
Protein change: p.Ser235Phe; replaces serine 235 with phenylalanine.
Molecular consequence: missense variant.
Genome position (GRCh38, 1-based): chr9:99,137,988, C>T. VCF-style: chr9-99137988-C-T. GRCh37 (hg19) VCF-style: chr9-101900270-C-T.
Other names: c.473C>T, p.Ser158Phe (NM_001130916.3); c.716C>T, p.Ser239Phe (NM_001306210.2); short protein forms S235F, S158F, S239F.
Identifiers: ClinVar variation 477558 (VCV000477558.12), dbSNP rs1554700632, ClinGen allele CA374229742.